The following is an entry in ClinVar:

NM_024665.7(TBL1XR1):c.935T>C (p.Leu312Ser)

Genes: TBL1XR1 (TBL1X/Y related 1; minus strand), TBL1XR1-AS1 (TBL1XR1 antisense RNA 1; plus strand), LOC126806878 (CDK7 strongly-dependent group 2 enhancer GRCh37_chr3:176755168-176756367; plus strand). Cytogenetic location: 3q26.32.
Variant type: single nucleotide variant.
Coding change: c.935T>C on transcript NM_024665.7 (MANE Select); coding-DNA position 935, T replaced by C.
Protein change: p.Leu312Ser; replaces leucine 312 with serine.
Molecular consequence: missense variant. On other transcripts: non-coding transcript variant (1).
Genome position (GRCh38, 1-based): chr3:177,038,425, A>G on the plus strand (T>C on the coding strand, the complement: TBL1XR1 is on the minus strand). VCF-style: chr3-177038425-A-G. GRCh37 (hg19) VCF-style: chr3-176756213-A-G.
Other names: c.935T>C, p.Leu312Ser (NM_001321193.3, NM_001321194.3, NM_001374327.1 and 2 more transcripts); c.674T>C, p.Leu225Ser (NM_001321195.3, NM_001374330.1); short protein forms L225S, L312S.
Identifiers: ClinVar variation 3174822 (VCV003174822.1), dbSNP rs2473634970, ClinGen allele CA355555491.
Genomic context (GRCh38, chr3:177,038,425, plus strand): 5'-TGAATGCACATATCTGTACTACAAGAAGCAAAGGTGTTGTTGCTCTGCCAATCAACATCC[A>G]ATGCTGGTGCTGCAAAGGAACAAAGGTTAGATTTGCTTTTATTCCACATGTACTAAAATC-3'
Protein context (NP_078941.2, residues 302-322): QQFPFHSAPA[Leu312Ser]DVDWQSNNTF

ClinVar aggregate classification (germline): Uncertain significance (1 of 4 stars; one submission).

Conditions:
Inborn genetic diseases. Identifiers: MedGen C0950123, MeSH D030342.

Submission:

Ambry Genetics
Classification: Uncertain significance for Inborn genetic diseases. Last evaluated: 2024-01-18. Review status: criteria provided, single submitter. Criteria: Ambry Variant Classification Scheme 2023. Collection method: clinical testing. Allele origin: germline.
Comment: The c.935T>C (p.L312S) alteration is located in exon 11 (coding exon 9) of the TBL1XR1 gene. This alteration results from a T to C substitution at nucleotide position 935, causing the leucine (L) at amino acid position 312 to be replaced by a serine (S). This variant was not reported in population-based cohorts in the Genome Aggregation Database (gnomAD). This amino acid position is highly conserved in available vertebrate species. This missense alteration is located in a region that has a low rate of benign missense variation (Lek, 2016; Firth, 2009). This alteration is predicted to be deleterious by in silico analysis. Based on insufficient or conflicting evidence, the clinical significance of this alteration remains unclear.